The following is an entry in ClinVar:

NM_005896.4(IDH1):c.69G>C (p.Trp23Cys)

Gene: IDH1 (isocitrate dehydrogenase (NADP(+)) 1; minus strand). Cytogenetic location: 2q34.
Variant type: single nucleotide variant.
Coding change: c.69G>C on transcript NM_005896.4 (MANE Select); coding-DNA position 69, G replaced by C.
Protein change: p.Trp23Cys; replaces tryptophan 23 with cysteine.
Molecular consequence: missense variant.
Genome position (GRCh38, 1-based): chr2:208,251,483, C>G on the plus strand (G>C on the coding strand, the complement: IDH1 is on the minus strand). VCF-style: chr2-208251483-C-G. GRCh37 (hg19) VCF-style: chr2-209116207-C-G.
Other names: c.69G>C, p.Trp23Cys (NM_001282386.1, NM_001282387.1); short protein forms W23C.
Identifiers: ClinVar variation 1756580 (VCV001756580.4), dbSNP rs535551892, ClinGen allele CA2079107.
Genomic context (GRCh38, chr2:208,251,483, plus strand): 5'-CATTTACCTATGTAGATCCAATTCCACGTAGGGAAAAATGAGTTTCTCTTTAATCAATTC[C>G]CAAATGATTCGTGTCATTTCATCTCCTTGCATCTCTACCACAGAACCGCCACTGATTTTT-3'
Protein context (NP_005887.2, residues 13-33): MQGDEMTRII[Trp23Cys]ELIKEKLIFP

ClinVar aggregate classification (germline): Uncertain significance (1 of 4 stars; one submission).
ClinVar aggregate classification (somatic clinical impact): Tier II - Potential (0 of 4 stars; one submission).

Conditions:
Myelodysplastic syndrome (MDS). Also called: Myelodysplastic syndromes; MYELODYSPLASTIC SYNDROME, SUSCEPTIBILITY TO; Myelodysplastic syndrome, somatic. Identifiers: Orphanet 52688, MedGen C3463824, MeSH D009190, MONDO:0018881, OMIM 614286.

Allele frequency attached by ClinVar (database versions not stated): TOPMed below 0.00001; gnomAD 0.00003; gnomAD exomes 0.00004; ExAC 0.00006; 1000 Genomes Project 30x 0.00016; 1000 Genomes Project 0.00020.

Submissions (2):

Ambry Genetics
Classification: Uncertain significance. Last evaluated: 2023-09-09. Review status: criteria provided, single submitter. Criteria: Ambry Variant Classification Scheme 2023. Collection method: clinical testing. Allele origin: germline.
Comment: The p.W23C variant (also known as c.69G>C), located in coding exon 1 of the IDH1 gene, results from a G to C substitution at nucleotide position 69. The tryptophan at codon 23 is replaced by cysteine, an amino acid with highly dissimilar properties. This amino acid position is conserved. In addition, this alteration is predicted to be deleterious by in silico analysis. Since supporting evidence is limited at this time, the clinical significance of this alteration remains unclear.

Department of Medical Genetics, All India Institute of Medical Sciences, Bhopal
Classification: Tier II - Potential for Myelodysplastic syndrome. Assertion type: diagnostic. Clinical significance: supports diagnosis. Last evaluated: 2026-06-19. Review status: no assertion criteria provided. Collection method: clinical testing. Allele origin: somatic. Affected: yes. Observed: 1 variant allele, 1 heterozygote.
Comment: Variant has Tier II (potential) clinical significance as a diagnostic inclusion criterion in myelodysplastic syndrome, based on the following evidence: 1) IDH1 gene having reported frequency of 1% in myelodysplastic syndrome (PMID: 42400116).

Literature cited by the submitters: PubMed 42400116 (cited by Department of Medical Genetics, All India Institute of Medical Sciences, Bhopal).